The following is an entry in ClinVar:

NM_001367624.2(ZNF469):c.1138C>T (p.Leu380Phe)

Gene: ZNF469 (zinc finger protein 469; plus strand). Cytogenetic location: 16q24.2.
Variant type: single nucleotide variant.
Coding change: c.1138C>T on transcript NM_001367624.2 (MANE Select); coding-DNA position 1138, C replaced by T.
Protein change: p.Leu380Phe; replaces leucine 380 with phenylalanine.
Molecular consequence: missense variant.
Genome position (GRCh38, 1-based): chr16:88,428,608, C>T. VCF-style: chr16-88428608-C-T. GRCh37 (hg19) VCF-style: chr16-88495016-C-T.
Other names: NM_001127464.1:c.1138C>T; short protein forms L380F.
Identifiers: ClinVar variation 3258230 (VCV003258230.2).

ClinVar aggregate classification (germline): Uncertain significance. Review status: criteria provided, multiple submitters, no conflicts (2 of 4 stars). 2 submissions from 2 submitters: Uncertain significance (2). Last evaluated 2025-11-18.

Conditions:
Cardiovascular phenotype. Identifiers: MedGen CN230736.

gnomAD v4.1: 1 of 1,550,146 alleles (0.000065%); highest among the groups gnomAD compares: Non-Finnish European, 0.000087%; no homozygotes.

Submissions (2):

Women's Health and Genetics/Laboratory Corporation of America, LabCorp
Classification: Uncertain significance. Last evaluated: 2025-11-18. Review status: criteria provided, single submitter. Criteria: LabCorp Variant Classification Summary - May 2015. Collection method: clinical testing. Allele origin: germline.
Comment: Variant summary: ZNF469 c.1138C>T (p.Leu380Phe) results in a non-conservative amino acid change in the encoded protein sequence. Algorithms developed to predict the effect of missense changes on protein structure and function are either unavailable or do not agree on the potential impact of this missense change. The variant was absent in 150290 control chromosomes. The available data on variant occurrences in the general population are insufficient to allow any conclusion about variant significance. To our knowledge, no occurrence of c.1138C>T in individuals affected with ZNF469-related conditions and no experimental evidence demonstrating its impact on protein function have been reported. ClinVar contains an entry for this variant (Variation ID: 3258230). Based on the evidence outlined above, the variant was classified as uncertain significance.

Ambry Genetics
Classification: Uncertain significance for Cardiovascular phenotype. Last evaluated: 2024-04-06. Review status: criteria provided, single submitter. Criteria: Ambry Variant Classification Scheme 2023. Collection method: clinical testing. Allele origin: germline.
Comment: The p.L380F variant (also known as c.1138C>T), located in coding exon 1 of the ZNF469 gene, results from a C to T substitution at nucleotide position 1138. The leucine at codon 380 is replaced by phenylalanine, an amino acid with highly similar properties. This amino acid position is conserved. In addition, this alteration is predicted to be tolerated by in silico analysis. Based on the available evidence, the clinical significance of this variant remains unclear.